The following is an entry in ClinVar:

NM_001151.4(SLC25A4):c.321G>T (p.Lys107Asn)

Gene: SLC25A4 (solute carrier family 25 member 4; plus strand). Cytogenetic location: 4q35.1.
Variant type: single nucleotide variant.
Coding change: c.321G>T on transcript NM_001151.4 (MANE Select); coding-DNA position 321, G replaced by T.
Protein change: p.Lys107Asn; replaces lysine 107 with asparagine.
Molecular consequence: missense variant.
Genome position (GRCh38, 1-based): chr4:185,144,973, G>T. VCF-style: chr4-185144973-G-T. GRCh37 (hg19) VCF-style: chr4-186066127-G-T.
Other names: c.321G>T (NM_001151.3); short protein forms K107N.
Identifiers: ClinVar variation 2792985 (VCV002792985.4), dbSNP rs904724839, ClinGen allele CA112005815.

ClinVar aggregate classification (germline): Uncertain significance. Review status: criteria provided, multiple submitters, no conflicts (2 of 4 stars). 2 submissions from 2 submitters: Uncertain significance (2). Last evaluated 2025-01-07.

Conditions:
Inborn genetic diseases. Identifiers: MedGen C0950123, MeSH D030342.

Allele frequency attached by ClinVar (database versions not stated): gnomAD 0.00001; TOPMed 0.00001.
gnomAD v4.1: 1 of 1,613,074 alleles (0.000062%); highest among the groups gnomAD compares: African/African-American, 0.0013%; no homozygotes.

Submissions (2):

Ambry Genetics
Classification: Uncertain significance for Inborn genetic diseases. Last evaluated: 2025-01-07. Review status: criteria provided, single submitter. Criteria: Ambry Variant Classification Scheme 2023. Collection method: clinical testing. Allele origin: germline.

Labcorp Genetics (formerly Invitae), Labcorp
Classification: Uncertain significance. Last evaluated: 2023-06-14. Review status: criteria provided, single submitter. Criteria: Invitae Variant Classification Sherloc (09022015). Collection method: clinical testing. Allele origin: germline.
Comment: This sequence change replaces lysine, which is basic and polar, with asparagine, which is neutral and polar, at codon 107 of the SLC25A4 protein (p.Lys107Asn). This variant is present in population databases (no rsID available, gnomAD 0.01%). This variant has not been reported in the literature in individuals affected with SLC25A4-related conditions. An algorithm developed to predict the effect of missense changes on protein structure and function (PolyPhen-2) suggests that this variant is likely to be tolerated. In summary, the available evidence is currently insufficient to determine the role of this variant in disease. Therefore, it has been classified as a Variant of Uncertain Significance.